The following is an entry in ClinVar:

ClinVar aggregate classification (germline): Likely benign (1 of 4 stars; one submission).

Allele frequency attached by ClinVar (database versions not stated): 1000 Genomes Project 0.00379; 1000 Genomes Project 30x 0.00390; ExAC 0.00997.
gnomAD v4.1: 4,360 of 1,536,180 alleles (0.28%); highest among the groups gnomAD compares: Middle Eastern, 1.1%; 27 homozygotes.

Submission:

CeGaT Center for Human Genetics Tuebingen
Classification: Likely benign. Last evaluated: 2022-04-01. Review status: criteria provided, single submitter. Criteria: CeGaT Center For Human Genetics Tuebingen Variant Classification Criteria Version 2. Collection method: clinical testing. Allele origin: germline. Affected: yes. Observed: 1 variant allele.
Comment: C4orf54: BP4, BP7

NM_001354435.2(C4orf54):c.1494G>A (p.Pro498=)

Gene: C4orf54 (chromosome 4 open reading frame 54; minus strand). Cytogenetic location: 4q23.
Variant type: single nucleotide variant.
Coding change: c.1494G>A on transcript NM_001354435.2 (MANE Select); coding-DNA position 1494, G replaced by A.
Protein change: p.Pro498=; no amino-acid change (proline 498 retained).
Molecular consequence: synonymous variant.
Genome position (GRCh38, 1-based): chr4:99,653,155, C>T on the plus strand (G>A on the coding strand, the complement: C4orf54 is on the minus strand). VCF-style: chr4-99653155-C-T. GRCh37 (hg19) VCF-style: chr4-100574312-C-T.
Identifiers: ClinVar variation 2654975 (VCV002654975.24), dbSNP rs555671992, ClinGen allele CA3022679.
Genomic context (GRCh38, chr4:99,653,155, plus strand): 5'-CTGGCTTGCTGCACTCCCACAGCTGCTTGCGGCGGCGGCTGCTGCCCCTGAAGCTGCCTC[C>T]GGGGTCTCAGGCAAGGGCTCAGTCAGGGGGGCAGTGCCAGGCCCAGTGGGTGGGGGAGTG-3'
Protein context (NP_001341364.1, residues 488-508): APLTEPLPET[Pro498=]EAASGAAAAA